The following is an entry in ClinVar:

NM_018942.3(HMX1):c.563_579dup (p.Gly194fs)

Gene: HMX1 (H6 family homeobox 1; minus strand). Cytogenetic location: 4p16.1.
Variant type: Duplication.
Coding change: c.563_579dup on transcript NM_018942.3 (MANE Select); coding-DNA positions 563 to 579, 17 bases duplicated (CGGCTGGGGAGACACGC).
Protein change: p.Gly194fs; shifts the reading frame from glycine 194.
Molecular consequence: frameshift variant. On other transcripts: intron variant (1).
Genome position (GRCh38, 1-based): chr4:8,868,161-8,868,177, GCGTGTCTCCCCAGCCG duplicated on the plus strand (CGGCTGGGGAGACACGC on the coding strand, the reverse complement: HMX1 is on the minus strand). VCF-style (leftmost placement, unchanged base first): chr4-8868160-C-CGCGTGTCTCCCCAGCCG. GRCh37 (hg19) VCF-style: chr4-8869886-C-CGCGTGTCTCCCCAGCCG.
Other names: c.394+3044_394+3060dup (NM_001306142.2); short protein forms G194fs.
Identifiers: ClinVar variation 1470519 (VCV001470519.6), dbSNP rs2109473404, ClinGen allele CA2573138328.

ClinVar aggregate classification (germline): Uncertain significance (1 of 4 stars; one submission).

Submission:

Labcorp Genetics (formerly Invitae), Labcorp
Classification: Uncertain significance. Last evaluated: 2022-06-20. Review status: criteria provided, single submitter. Criteria: Invitae Variant Classification Sherloc (09022015). Collection method: clinical testing. Allele origin: germline.
Comment: This sequence change creates a premature translational stop signal (p.Gly194Argfs*37) in the HMX1 gene. While this is not anticipated to result in nonsense mediated decay, it is expected to disrupt the last 155 amino acid(s) of the HMX1 protein. This variant is not present in population databases (gnomAD no frequency). This variant has not been reported in the literature in individuals affected with HMX1-related conditions. Experimental studies and prediction algorithms are not available or were not evaluated, and the functional significance of this variant is currently unknown. In summary, the available evidence is currently insufficient to determine the role of this variant in disease. Therefore, it has been classified as a Variant of Uncertain Significance.